The following is an entry in ClinVar:

NM_001165963.4(SCN1A):c.5422_5430del (p.Phe1808_Glu1810del)

Genes: SCN1A (sodium voltage-gated channel alpha subunit 1; minus strand), LOC102724058 (uncharacterized LOC102724058; plus strand). Cytogenetic location: 2q24.3.
Variant type: Deletion.
Coding change: c.5422_5430del on transcript NM_001165963.4 (MANE Select); coding-DNA positions 5422 to 5430, 9 bases deleted (TTCTATGAG; older notation c.5422_5430delTTCTATGAG).
Protein change: p.Phe1808_Glu1810del.
Molecular consequence: inframe deletion. On other transcripts: non-coding transcript variant (1).
Genome position (GRCh38, 1-based): chr2:165,991,845-165,991,853, CTCATAGAA deleted on the plus strand (TTCTATGAG on the coding strand, the reverse complement: SCN1A is on the minus strand); deleting any 9 consecutive bases within chr2:165,991,845-165,991,854 gives the same sequence; the c. name uses the placement nearest the transcript's 3' end. VCF-style (leftmost placement, unchanged base first): chr2-165991844-CCTCATAGAA-C. GRCh37 (hg19) VCF-style: chr2-166848354-CCTCATAGAA-C.
Other names: c.5338_5346del, p.Phe1780_Glu1782del (NM_001165964.3, NM_001353957.2, NM_001353958.2); c.5422_5430del, p.Phe1808_Glu1810del (NM_001202435.3, NM_001353948.2); c.5389_5397del, p.Phe1797_Glu1799del (NM_001353949.2, NM_001353950.2, NM_001353951.2 and 2 more transcripts); c.5386_5394del, p.Phe1796_Glu1798del (NM_001353954.2, NM_001353955.2); c.5335_5343del, p.Phe1779_Glu1781del (NM_001353960.2); c.2980_2988del, p.Phe994_Glu996del (NM_001353961.2).
Identifiers: ClinVar variation 1485225 (VCV001485225.9), dbSNP rs2105428012, ClinGen allele CA2573133690.

ClinVar aggregate classification (germline): Likely pathogenic (1 of 4 stars; one submission).

Conditions:
Early-infantile DEE. Also called: Ohtahara syndrome; Early infantile epileptic encephalopathy; Early infantile epileptic encephalopathy with suppression bursts. Identifiers: Orphanet 1934, MedGen C0393706, MONDO:0800491.

Submission:

Labcorp Genetics (formerly Invitae), Labcorp
Classification: Likely pathogenic for Early-infantile DEE. Last evaluated: 2021-03-02. Review status: criteria provided, single submitter. Criteria: Invitae Variant Classification Sherloc (09022015). Collection method: clinical testing. Allele origin: germline.
Comment: This variant, c.5422_5430del, results in the deletion of 3 amino acid(s) of the SCN1A protein (p.Phe1808_Glu1810del), but otherwise preserves the integrity of the reading frame. This variant is not present in population databases (ExAC no frequency). This variant has been observed in individual(s) with clinical features of SCN1A-related conditions (Invitae). In at least one individual the variant was observed to be de novo. Experimental studies and prediction algorithms are not available or were not evaluated, and the functional significance of this variant is currently unknown. Algorithms developed to predict the effect of sequence changes on RNA splicing suggest that this variant may create or strengthen a splice site, but this prediction has not been confirmed by published transcriptional studies. In summary, the currently available evidence indicates that the variant is pathogenic, but additional data are needed to prove that conclusively. Therefore, this variant has been classified as Likely Pathogenic.